The following is an entry in ClinVar:

ClinVar aggregate classification (germline): Uncertain significance (1 of 4 stars; one submission).

Conditions:
Familial hypocalciuric hypercalcemia 1. Also called: Hypercalcemia, familial benign type 1. Identifiers: Orphanet 405, Orphanet 93372, MedGen C0342637, MONDO:0007791, OMIM 145980.

Submission:

Clinical Genetics Laboratory, Skane University Hospital Lund
Classification: Uncertain significance for Familial hypocalciuric hypercalcemia 1. Last evaluated: 2026-01-23. Review status: criteria provided, single submitter. Criteria: ACMG Guidelines, 2015. Collection method: clinical testing. Allele origin: germline. Inheritance: Autosomal dominant inheritance. Affected: yes.
Comment: ACMG-criteria: PM2, PM5 and PP3

NM_000388.4(CASR):c.1310G>T (p.Cys437Phe)

Gene: CASR (calcium sensing receptor; plus strand). Cytogenetic location: 3q21.1.
Variant type: single nucleotide variant.
Coding change: c.1310G>T on transcript NM_000388.4 (MANE Select); coding-DNA position 1310, G replaced by T.
Protein change: p.Cys437Phe; replaces cysteine 437 with phenylalanine.
Molecular consequence: missense variant.
Genome position (GRCh38, 1-based): chr3:122,262,345, G>T. VCF-style: chr3-122262345-G-T. GRCh37 (hg19) VCF-style: chr3-121981192-G-T.
Other names: c.1310G>T, p.Cys437Phe (NM_001178065.2); short protein forms C437F.
Identifiers: ClinVar variation 4686614 (VCV004686614.1).
Genomic context (GRCh38, chr3:122,262,345, plus strand): 5'-CCTACAATGTGTACTTAGCAGTCTACTCCATTGCCCACGCCTTGCAAGATATATATACCT[G>T]CTTACCTGGGAGAGGGCTCTTCACCAATGGCTCCTGTGCAGACATCAAGAAAGTTGAGGC-3'
Protein context (NP_000379.3, residues 427-447): IAHALQDIYT[Cys437Phe]LPGRGLFTNG